The following is an entry in ClinVar:

ClinVar aggregate classification (germline): Pathogenic (1 of 4 stars; one submission).

Conditions:
Hereditary breast ovarian cancer syndrome. Also called: Breast and ovarian cancer; Hereditary breast and ovarian cancer; Hereditary breast and/or ovarian cancer syndrome; BRCA1- and BRCA2-Associated Hereditary Breast and Ovarian Cancer; Hereditary breast and ovarian cancer syndrome (HBOC); Hereditary breast and ovarian cancer syndrome. Identifiers: Orphanet 145, MedGen C0677776, MeSH D061325, MONDO:0003582. Disease mechanism: loss of function.

Submission:

Labcorp Genetics (formerly Invitae), Labcorp
Classification: Pathogenic for Hereditary breast ovarian cancer syndrome. Last evaluated: 2016-12-05. Review status: criteria provided, single submitter. Criteria: Invitae Variant Classification Sherloc (09022015). Collection method: clinical testing. Allele origin: germline.
Comment: This variant is a gross deletion of the genomic region encompassing exon 15 of the BRCA1 gene. This creates a premature translational stop signal and is expected to result in an absent or disrupted protein product. Gross deletions in BRCA1 are known to be pathogenic. A deletion of exon 15 has been reported in the literature in two families affected with hereditary breast and ovarian cancer (PMID: 18431737) and as a de novo mosaic variant in an individual affected with breast cancer (PMID: 23216102). Exon 15 is also known as exon 16 in the literature. For these reasons, this variant has been classified as Pathogenic.

NC_000017.11:g.(?_43070928)_(43071238_?)del

Gene: BRCA1 (BRCA1 DNA repair associated; minus strand). Cytogenetic location: 17q21.31.
Variant type: Deletion.
Identifiers: ClinVar variation 417597 (VCV000417597.1).